The following is an entry in ClinVar:

ClinVar aggregate classification (germline): Pathogenic (3 of 4 stars; one submission).

Conditions:
Breast-ovarian cancer, familial, susceptibility to, 1 (BROVCA1). Also called: BRCA1 Hereditary Breast and Ovarian Cancer; OVARIAN CANCER, SUSCEPTIBILITY TO. Identifiers: Orphanet 145, MedGen C2676676, MONDO:0011450, OMIM 604370. Disease mechanism: loss of function.

Submission:

Evidence-based Network for the Interpretation of Germline Mutant Alleles (ENIGMA)
Classification: Pathogenic for Breast-ovarian cancer, familial, susceptibility to, 1. Last evaluated: 2017-12-15. Review status: reviewed by expert panel. Criteria: ENIGMA BRCA1/2 Classification Criteria (2017-06-29). Collection method: curation. Allele origin: germline. Study: ENIGMA.
Comment: Variant allele predicted to encode a truncated non-functional protein.

NM_007294.4(BRCA1):c.3730_3731insGACACTTGTTATTTGGTAAAGTAAACAATATACCTTCTCAGTCTACTAGG (p.His1244fs)

Genes: BRCA1 (BRCA1 DNA repair associated; minus strand), LOC126862571 (BRD4-independent group 4 enhancer GRCh37_chr17:41243136-41244335; plus strand). Cytogenetic location: 17q21.31.
Variant type: Insertion.
Coding change: c.3730_3731insGACACTTGTTATTTGGTAAAGTAAACAATATACCTTCTCAGTCTACTAGG on transcript NM_007294.4 (MANE Select); coding-DNA positions 3730 to 3731, GACACTTGTTATTTGGTAAAGTAAACAATATACCTTCTCAGTCTACTAGG inserted.
Protein change: p.His1244fs; shifts the reading frame from histidine 1244.
Molecular consequence: frameshift variant. On other transcripts: intron variant (135).
Genome position: GRCh38: chr17:43,091,800-43,091,801. GRCh37 (hg19): chr17:41,243,817-41,243,818.
Other names: c.3730_3731insGACACTTGTTATTTGGTAAAGTAAACAATATACCTTCTCAGTCTACTAGG, p.His1244fs (NM_001407624.1, NM_001407625.1, NM_001407626.1 and 30 more transcripts); c.3727_3728insGACACTTGTTATTTGGTAAAGTAAACAATATACCTTCTCAGTCTACTAGG, p.His1243fs (NM_001407627.1, NM_001407628.1, NM_001407629.1 and 22 more transcripts); c.3721_3722insGACACTTGTTATTTGGTAAAGTAAACAATATACCTTCTCAGTCTACTAGG, p.His1241fs (NM_001407646.1, NM_001407647.1); c.3607_3608insGACACTTGTTATTTGGTAAAGTAAACAATATACCTTCTCAGTCTACTAGG, p.His1203fs (NM_001407648.1, NM_001407664.1, NM_001407665.1 and 19 more transcripts); c.3604_3605insGACACTTGTTATTTGGTAAAGTAAACAATATACCTTCTCAGTCTACTAGG, p.His1202fs (NM_001407649.1, NM_001407670.1, NM_001407671.1 and 11 more transcripts); c.3652_3653insGACACTTGTTATTTGGTAAAGTAAACAATATACCTTCTCAGTCTACTAGG, p.His1218fs (NM_001407653.1, NM_001407654.1, NM_001407655.1 and 4 more transcripts); c.3649_3650insGACACTTGTTATTTGGTAAAGTAAACAATATACCTTCTCAGTCTACTAGG, p.His1217fs (NM_001407659.1, NM_001407660.1, NM_001407661.1 and 1 more transcripts); c.3589_3590insGACACTTGTTATTTGGTAAAGTAAACAATATACCTTCTCAGTCTACTAGG, p.His1197fs (NM_001407692.1, NM_001407694.1, NM_001407695.1 and 29 more transcripts); and 41 more; short protein forms H1244fs, H1197fs, H1116fs, H1117fs, H1132fs, H1177fs, H1196fs, H948fs.
Identifiers: ClinVar variation 548248 (VCV000548248.2), dbSNP rs1555587210, ClinGen allele CA658823951.